The following is an entry in ClinVar:

ClinVar aggregate classification (germline): Pathogenic (1 of 4 stars; one submission).

Conditions:
Hereditary breast ovarian cancer syndrome. Also called: Hereditary breast and ovarian cancer syndrome (HBOC); Breast and ovarian cancer; Hereditary breast and ovarian cancer; Hereditary breast and ovarian cancer syndrome; BRCA1- and BRCA2-Associated Hereditary Breast and Ovarian Cancer; Hereditary breast and/or ovarian cancer syndrome. Identifiers: Orphanet 145, MedGen C0677776, MeSH D061325, MONDO:0003582. Disease mechanism: loss of function.

Submission:

Women's Health and Genetics/Laboratory Corporation of America, LabCorp
Classification: Pathogenic for Hereditary breast ovarian cancer syndrome. Last evaluated: 2025-10-31. Review status: criteria provided, single submitter. Criteria: LabCorp Variant Classification Summary - May 2015. Collection method: clinical testing. Allele origin: germline.
Comment: Variant summary: The variant involves the deletion of exons 14-18 in the BRCA2 gene. This Copy Number Variant (CNV) is expected to alter the reading frame and predicted to result in a truncation or absence of the encoded protein due to nonsense mediated decay (NMD). Loss-of-function variants in this gene are known to be pathogenic. A presumed nomenclature of c.(7007+1_7008-1)_(8331+1_8332-1)del has been designated for the purposes of this classification. The variant was absent in 21694 control chromosomes. Similar deletion has been observed in individual(s) affected with Hereditary Breast And Ovarian Cancer Syndrome (example: Su_2018). These data indicate that the variant is very likely to be associated with disease. The following publication has been ascertained in the context of this evaluation (PMID: 29582426). ClinVar contains an entry for this variant (Variation ID: 1074103). Based on the evidence outlined above, the variant was classified as pathogenic.

Literature cited by the submitters: PubMed 29582426.

NC_000013.10:g.(32921034_32928997)_(32937671_32944538)del

Gene: BRCA2 (BRCA2 DNA repair associated; plus strand). Cytogenetic location: 13q13.1.
Variant type: Deletion.
Identifiers: ClinVar variation 4687774 (VCV004687774.1).